The following is an entry in ClinVar:

ClinVar aggregate classification (germline): Uncertain significance (1 of 4 stars; one submission).

gnomAD v4.1: 3 of 1,613,732 alleles (0.00019%); highest among the groups gnomAD compares: African/African-American, 0.0013%; no homozygotes.

Submission:

GeneDx
Classification: Uncertain significance. Last evaluated: 2021-12-08. Review status: criteria provided, single submitter. Criteria: GeneDx Variant Classification Process June 2021. Collection method: clinical testing. Allele origin: germline. Affected: yes.
Comment: Not observed at significant frequency in large population cohorts (Lek et al., 2016); In silico analysis supports that this missense variant has a deleterious effect on protein structure/function; Has not been previously published as pathogenic or benign to our knowledge

NM_030962.4(SBF2):c.4719C>A (p.Asn1573Lys)

Genes: SBF2 (SET binding factor 2; minus strand), SBF2-AS1 (SBF2 antisense RNA 1; plus strand), LOC105369149 (uncharacterized LOC105369149; plus strand). Cytogenetic location: 11p15.4.
Variant type: single nucleotide variant.
Coding change: c.4719C>A on transcript NM_030962.4 (MANE Select); coding-DNA position 4719, C replaced by A.
Protein change: p.Asn1573Lys; replaces asparagine 1573 with lysine.
Molecular consequence: missense variant.
Genome position (GRCh38, 1-based): chr11:9,789,322, G>T on the plus strand (C>A on the coding strand, the complement: SBF2 is on the minus strand). VCF-style: chr11-9789322-G-T. GRCh37 (hg19) VCF-style: chr11-9810869-G-T.
Other names: c.4815C>A, p.Asn1605Lys (NM_001386339.1); c.4590C>A, p.Asn1530Lys (NM_001386342.1); short protein forms N1530K, N1573K, N1605K.
Identifiers: ClinVar variation 1327667 (VCV001327667.2), dbSNP rs528105225, ClinGen allele CA379634480.